The following is an entry in ClinVar:

ClinVar aggregate classification (germline): Conflicting classifications of pathogenicity. Review status: criteria provided, conflicting classifications (1 of 4 stars). 4 submissions from 4 submitters: Uncertain significance (3); Likely benign (1). Last evaluated 2025-12-09.

Conditions:
Inborn genetic diseases. Identifiers: MedGen C0950123, MeSH D030342.
Autosomal recessive limb-girdle muscular dystrophy type 2Q (LGMDR17). Also called: MUSCULAR DYSTROPHY, LIMB-GIRDLE, AUTOSOMAL RECESSIVE 17. Identifiers: Orphanet 254361, MedGen C3150989, MONDO:0013390, OMIM 613723.
Epidermolysis bullosa simplex with nail dystrophy (EBS5D). Identifiers: MedGen C4225309, MONDO:0014661, OMIM 616487.
Epidermolysis bullosa simplex 5C, with pyloric atresia (EBS5C). Also called: Epidermolysis bullosa simplex with pyloric atresia; PLEC-Related Epidermolysis Bullosa with Pyloric Atresia; PLEC1-Related Epidermolysis Bullosa with Pyloric Atresia. Identifiers: Orphanet 158684, MedGen C2677349, MONDO:0012807, OMIM 612138.
Epidermolysis bullosa simplex, Ogna type (EBS5A). Also called: Pidermolysis bullosa simplex 5A, Ogna type; EPIDERMOLYSIS BULLOSA SIMPLEX 5A, OGNA TYPE. Identifiers: Orphanet 79401, MedGen C0432317, MONDO:0007555, OMIM 131950.
Epidermolysis bullosa simplex 5B, with muscular dystrophy (EBS5B). Also called: EPIDERMOLYSIS BULLOSA SIMPLEX AND LIMB-GIRDLE MUSCULAR DYSTROPHY; Epidermolysis bullosa simplex with muscular dystrophy. Identifiers: Orphanet 257, MedGen C2931072, MONDO:0009181, OMIM 226670.

Allele frequency attached by ClinVar (database versions not stated): TOPMed 0.00003; gnomAD 0.00005; gnomAD exomes 0.00009 and 0.00011; ExAC 0.00014.
gnomAD v4.1: 168 of 1,600,700 alleles (0.01%); highest among the groups gnomAD compares: Non-Finnish European, 0.013%; no homozygotes.

Submissions (4):

Labcorp Genetics (formerly Invitae), Labcorp
Classification: Uncertain significance for Autosomal recessive limb-girdle muscular dystrophy type 2Q; Epidermolysis bullosa simplex, Ogna type; Epidermolysis bullosa simplex with nail dystrophy; Epidermolysis bullosa simplex 5C, with pyloric atresia; Epidermolysis bullosa simplex 5B, with muscular dystrophy. Last evaluated: 2025-12-09. Review status: criteria provided, single submitter. Criteria: Invitae Variant Classification Sherloc (09022015). Collection method: clinical testing. Allele origin: germline.
Comment: This sequence change replaces glutamic acid, which is acidic and polar, with lysine, which is basic and polar, at codon 3946 of the PLEC protein (p.Glu3946Lys). This variant is present in population databases (rs782385807, gnomAD 0.02%). This variant has not been reported in the literature in individuals affected with PLEC-related conditions. ClinVar contains an entry for this variant (Variation ID: 290639). Invitae Evidence Modeling of protein sequence and biophysical properties (such as structural, functional, and spatial information, amino acid conservation, physicochemical variation, residue mobility, and thermodynamic stability) indicates that this missense variant is not expected to disrupt PLEC protein function with a negative predictive value of 80%. In summary, the available evidence is currently insufficient to determine the role of this variant in disease. Therefore, it has been classified as a Variant of Uncertain Significance.

Ambry Genetics
Classification: Uncertain significance for Inborn genetic diseases. Last evaluated: 2024-11-15. Review status: criteria provided, single submitter. Criteria: Ambry Variant Classification Scheme 2023. Collection method: clinical testing. Allele origin: germline.

Blueprint Genetics
Classification: Likely benign. Last evaluated: 2024-06-27. Review status: criteria provided, single submitter. Criteria: ACMG Guidelines, 2015. Collection method: clinical testing. Allele origin: germline.

Eurofins Ntd Llc (ga)
Classification: Uncertain significance. Last evaluated: 2016-08-25. Review status: criteria provided, single submitter. Criteria: EGL Classification Definitions 2015. Collection method: clinical testing. Allele origin: germline. Observed: 1 variant allele, 1 heterozygote.

NM_201384.3(PLEC):c.11755G>A (p.Glu3919Lys)

Gene: PLEC (plectin; minus strand). Cytogenetic location: 8q24.3.
Variant type: single nucleotide variant.
Coding change: c.11755G>A on transcript NM_201384.3 (MANE Select); coding-DNA position 11755, G replaced by A.
Protein change: p.Glu3919Lys; replaces glutamic acid 3919 with lysine.
Molecular consequence: missense variant.
Genome position (GRCh38, 1-based): chr8:143,918,066, C>T on the plus strand (G>A on the coding strand, the complement: PLEC is on the minus strand). VCF-style: chr8-143918066-C-T. GRCh37 (hg19) VCF-style: chr8-144992234-C-T.
Other names: c.11836G>A (NM_000445.3); c.11836G>A, p.Glu3946Lys (NM_000445.5); c.11713G>A, p.Glu3905Lys (NM_201378.4); c.11689G>A, p.Glu3897Lys (NM_201379.3); c.12166G>A, p.Glu4056Lys (NM_201380.4); c.11659G>A, p.Glu3887Lys (NM_201381.3); c.11755G>A, p.Glu3919Lys (NM_201382.4); c.11767G>A, p.Glu3923Lys (NM_201383.3); short protein forms E3946K, E3887K, E3923K, E3897K, E3905K, E3919K, E4056K.
Identifiers: ClinVar variation 290639 (VCV000290639.14), dbSNP rs782385807, ClinGen allele CA4924251.